The following is an entry in ClinVar:

ClinVar aggregate classification (germline): Uncertain significance (1 of 4 stars; one submission).

Submission:

Labcorp Genetics (formerly Invitae), Labcorp
Classification: Uncertain significance. Last evaluated: 2023-11-13. Review status: criteria provided, single submitter. Criteria: Invitae Variant Classification Sherloc (09022015). Collection method: clinical testing. Allele origin: germline.
Comment: This sequence change replaces glutamic acid, which is acidic and polar, with glutamine, which is neutral and polar, at codon 100 of the HK1 protein (p.Glu100Gln). This variant is not present in population databases (gnomAD no frequency). This variant has not been reported in the literature in individuals affected with HK1-related conditions. Advanced modeling of protein sequence and biophysical properties (such as structural, functional, and spatial information, amino acid conservation, physicochemical variation, residue mobility, and thermodynamic stability) performed at Invitae indicates that this missense variant is not expected to disrupt HK1 protein function with a negative predictive value of 80%. In summary, the available evidence is currently insufficient to determine the role of this variant in disease. Therefore, it has been classified as a Variant of Uncertain Significance.

NM_000188.3(HK1):c.298G>C (p.Glu100Gln)

Gene: HK1 (hexokinase 1; plus strand). Cytogenetic location: 10q22.1.
Variant type: single nucleotide variant.
Coding change: c.298G>C on transcript NM_000188.3 (MANE Select); coding-DNA position 298, G replaced by C.
Protein change: p.Glu100Gln; replaces glutamic acid 100 with glutamine.
Molecular consequence: missense variant.
Genome position (GRCh38, 1-based): chr10:69,359,968, G>C. VCF-style: chr10-69359968-G-C. GRCh37 (hg19) VCF-style: chr10-71119724-G-C.
Other names: c.310G>C, p.Glu104Gln (NM_033498.3, NM_001322364.2, NM_001358263.1 and 1 more transcripts); c.262G>C, p.Glu88Gln (NM_033500.2); c.403G>C, p.Glu135Gln (NM_001322365.2); c.214G>C, p.Glu72Gln (NM_001322366.1); c.298G>C, p.Glu100Gln (NM_001322367.1); c.295G>C, p.Glu99Gln (NM_033496.3); short protein forms E135Q, E72Q, E100Q, E88Q, E99Q, E104Q.
Identifiers: ClinVar variation 2964468 (VCV002964468.3), dbSNP rs2540327768, ClinGen allele CA376910749.